The following is an entry in ClinVar:

NM_000875.5(IGF1R):c.3582C>T (p.Asp1194=)

Gene: IGF1R (insulin like growth factor 1 receptor; plus strand). Cytogenetic location: 15q26.3.
Variant type: single nucleotide variant.
Coding change: c.3582C>T on transcript NM_000875.5 (MANE Select); coding-DNA position 3582, C replaced by T.
Protein change: p.Asp1194=; no amino-acid change (aspartic acid 1194 retained).
Molecular consequence: synonymous variant.
Genome position (GRCh38, 1-based): chr15:98,943,047, C>T. VCF-style: chr15-98943047-C-T. GRCh37 (hg19) VCF-style: chr15-99486276-C-T.
Other names: c.3579C>T, p.Asp1193= (NM_001291858.2).
Identifiers: ClinVar variation 738332 (VCV000738332.13), dbSNP rs35362396, ClinGen allele CA7752719.

ClinVar aggregate classification (germline): Benign/Likely benign. Review status: criteria provided, multiple submitters, no conflicts (2 of 4 stars). 3 submissions from 3 submitters: Benign (1); Likely benign (1). 1 of the submissions does not count toward it. Last evaluated 2025-12-13.

Conditions:
IGF1R-related disorder. Also called: IGF1R-related condition.
Growth delay due to insulin-like growth factor I resistance. Also called: Insulin-Like Growth Factor I Resistance; IGF-I RESISTANCE; Somatomedin end-organ insensitivity to; Somatomedin-c resistance to; IGF-1 resistance. Identifiers: Orphanet 73273, MedGen C1849157, MONDO:0010038, OMIM 270450.

Allele frequency attached by ClinVar (database versions not stated): gnomAD exomes 0.00012 and 0.00032; ExAC 0.00037; gnomAD 0.00092 and 0.00098; TOPMed 0.00099; 1000 Genomes Project 0.00100; 1000 Genomes Project 30x 0.00109; ESP Exome Variant Server 0.00154.
gnomAD v4.1: 318 of 1,614,214 alleles (0.02%); highest among the groups gnomAD compares: African/African-American, 0.32%; no homozygotes.

Submissions (3):

Labcorp Genetics (formerly Invitae), Labcorp
Classification: Benign. Last evaluated: 2025-12-13. Review status: criteria provided, single submitter. Criteria: Invitae Variant Classification Sherloc (09022015). Collection method: clinical testing. Allele origin: germline.

Illumina Laboratory Services, Illumina
Classification: Likely benign for Growth delay due to insulin-like growth factor I resistance. Last evaluated: 2018-01-12. Review status: criteria provided, single submitter. Criteria: ICSL Variant Classification Criteria 13 December 2019. Collection method: clinical testing. Allele origin: germline.
Comment: This variant was observed in the ICSL laboratory as part of a predisposition screen in an ostensibly healthy population. It had not been previously curated by ICSL or reported in the Human Gene Mutation Database (HGMD: prior to June 1st, 2018), and was therefore a candidate for classification through an automated scoring system. Utilizing variant allele frequency, disease prevalence and penetrance estimates, and inheritance mode, an automated score was calculated to assess if this variant is too frequent to cause the disease. Based on the score and internal cut-off values, a variant classified as likely benign is not then subjected to further curation. The score for this variant resulted in a classification of likely benign for this disease.

PreventionGenetics, part of Exact Sciences
Classification: Likely benign for IGF1R-related condition. Last evaluated: 2019-03-22. Review status: no assertion criteria provided. Collection method: clinical testing. Allele origin: germline. Not counted in ClinVar's aggregate classification.
Comment: This variant is classified as likely benign based on ACMG/AMP sequence variant interpretation guidelines (Richards et al. 2015 PMID: 25741868, with internal and published modifications).